The following is an entry in ClinVar:

NM_014484.5(MOCS3):c.490G>T (p.Ala164Ser)

Gene: MOCS3 (molybdenum cofactor synthesis 3; plus strand). Cytogenetic location: 20q13.13.
Variant type: single nucleotide variant.
Coding change: c.490G>T on transcript NM_014484.5 (MANE Select); coding-DNA position 490, G replaced by T.
Protein change: p.Ala164Ser; replaces alanine 164 with serine.
Molecular consequence: missense variant.
Genome position (GRCh38, 1-based): chr20:50,959,332, G>T. VCF-style: chr20-50959332-G-T. GRCh37 (hg19) VCF-style: chr20-49575869-G-T.
Other names: short protein forms A164S.
Identifiers: ClinVar variation 1494758 (VCV001494758.8), dbSNP rs148952588, ClinGen allele CA408983124.

ClinVar aggregate classification (germline): Uncertain significance (1 of 4 stars; one submission).

gnomAD v4.1: 2 of 1,610,246 alleles (0.00012%); highest among the groups gnomAD compares: Non-Finnish European, 0.000085%; no homozygotes.

Submission:

Labcorp Genetics (formerly Invitae), Labcorp
Classification: Uncertain significance. Last evaluated: 2022-08-10. Review status: criteria provided, single submitter. Criteria: Invitae Variant Classification Sherloc (09022015). Collection method: clinical testing. Allele origin: germline.
Comment: In summary, the available evidence is currently insufficient to determine the role of this variant in disease. Therefore, it has been classified as a Variant of Uncertain Significance. Algorithms developed to predict the effect of missense changes on protein structure and function (SIFT, PolyPhen-2, Align-GVGD) all suggest that this variant is likely to be tolerated. ClinVar contains an entry for this variant (Variation ID: 1494758). This variant has not been reported in the literature in individuals affected with MOCS3-related conditions. This variant is present in population databases (no rsID available, gnomAD 0.01%). This sequence change replaces alanine, which is neutral and non-polar, with serine, which is neutral and polar, at codon 164 of the MOCS3 protein (p.Ala164Ser).